The following is an entry in ClinVar:

ClinVar aggregate classification (germline): Uncertain significance (1 of 4 stars; one submission).

Allele frequency attached by ClinVar (database versions not stated): gnomAD exomes below 0.00001.
gnomAD v4.1: 3 of 1,613,812 alleles (0.00019%); highest among the groups gnomAD compares: Non-Finnish European, 0.00025%; no homozygotes.

Submission:

Labcorp Genetics (formerly Invitae), Labcorp
Classification: Uncertain significance. Last evaluated: 2022-10-17. Review status: criteria provided, single submitter. Criteria: Invitae Variant Classification Sherloc (09022015). Collection method: clinical testing. Allele origin: germline.
Comment: This sequence change replaces isoleucine, which is neutral and non-polar, with valine, which is neutral and non-polar, at codon 1748 of the SCN3A protein (p.Ile1748Val). This variant is present in population databases (no rsID available, gnomAD 0.0009%). This variant has not been reported in the literature in individuals affected with SCN3A-related conditions. Advanced modeling of protein sequence and biophysical properties (such as structural, functional, and spatial information, amino acid conservation, physicochemical variation, residue mobility, and thermodynamic stability) has been performed at Invitae for this missense variant, however the output from this modeling did not meet the statistical confidence thresholds required to predict the impact of this variant on SCN3A protein function. In summary, the available evidence is currently insufficient to determine the role of this variant in disease. Therefore, it has been classified as a Variant of Uncertain Significance.

NM_006922.4(SCN3A):c.5242A>G (p.Ile1748Val)

Gene: SCN3A (sodium voltage-gated channel alpha subunit 3; minus strand). Cytogenetic location: 2q24.3.
Variant type: single nucleotide variant.
Coding change: c.5242A>G on transcript NM_006922.4 (MANE Select); coding-DNA position 5242, A replaced by G.
Protein change: p.Ile1748Val; replaces isoleucine 1748 with valine.
Molecular consequence: missense variant.
Genome position (GRCh38, 1-based): chr2:165,090,911, T>C on the plus strand (A>G on the coding strand, the complement: SCN3A is on the minus strand). VCF-style: chr2-165090911-T-C. GRCh37 (hg19) VCF-style: chr2-165947421-T-C.
Other names: c.5095A>G, p.Ile1699Val (NM_001081676.2, NM_001081677.2); short protein forms I1699V, I1748V.
Identifiers: ClinVar variation 2126937 (VCV002126937.4), dbSNP rs1337662310, ClinGen allele CA349016519.